The following is an entry in ClinVar:

ClinVar aggregate classification (germline): Pathogenic/Likely pathogenic. Review status: criteria provided, multiple submitters, no conflicts (2 of 4 stars). 4 submissions from 4 submitters: Pathogenic (2); Likely pathogenic (2). Last evaluated 2024-04-01.

Conditions:
Ataxia-telangiectasia-like disorder 1 (ATLD1). Identifiers: Orphanet 251347, MedGen C4012790, MONDO:0024557, OMIM 604391.
Ataxia-telangiectasia-like disorder (ATLD). Identifiers: MedGen C1858391, MONDO:0011457.
Hereditary cancer-predisposing syndrome. Also called: Neoplastic Syndromes, Hereditary; Tumor predisposition; Hereditary Cancer Syndrome; Hereditary neoplastic syndrome. Identifiers: Orphanet 140162, MedGen C0027672, MeSH D009386, MONDO:0015356.

Allele frequency attached by ClinVar (database versions not stated): gnomAD exomes below 0.00001; gnomAD 0.00001; TOPMed 0.00001.

Submissions (4):

Labcorp Genetics (formerly Invitae), Labcorp
Classification: Pathogenic for Ataxia-telangiectasia-like disorder. Last evaluated: 2024-04-01. Review status: criteria provided, single submitter. Criteria: Invitae Variant Classification Sherloc (09022015). Collection method: clinical testing. Allele origin: germline.
Comment: This sequence change creates a premature translational stop signal (p.Leu545Tyrfs*9) in the MRE11 gene. It is expected to result in an absent or disrupted protein product. Loss-of-function variants in MRE11 are known to be pathogenic (PMID: 23080121, 23912341). This variant is present in population databases (no rsID available, gnomAD 0.002%). This variant has not been reported in the literature in individuals affected with MRE11-related conditions. ClinVar contains an entry for this variant (Variation ID: 233090). For these reasons, this variant has been classified as Pathogenic.

Ambry Genetics
Classification: Pathogenic for Hereditary cancer-predisposing syndrome. Last evaluated: 2023-07-07. Review status: criteria provided, single submitter. Criteria: Ambry Variant Classification Scheme 2023. Collection method: clinical testing. Allele origin: germline.
Comment: The c.1633_1640delCTTATGAG pathogenic mutation, located in coding exon 14 of the MRE11A gene, results from a deletion of 8 nucleotides at nucleotide positions 1633 to 1640, causing a translational frameshift with a predicted alternate stop codon (p.L545Yfs*9). This alteration is expected to result in loss of function by premature protein truncation or nonsense-mediated mRNA decay. As such, this alteration is interpreted as a disease-causing mutation.

Revvity Omics, Revvity
Classification: Likely pathogenic for Ataxia-telangiectasia-like disorder 1. Last evaluated: 2023-02-27. Review status: criteria provided, single submitter. Criteria: ACMG Guidelines, 2015. Collection method: clinical testing. Allele origin: germline.

Baylor Genetics
Classification: Likely pathogenic for Ataxia-telangiectasia-like disorder 1. Last evaluated: 2022-05-19. Review status: criteria provided, single submitter. Criteria: ACMG Guidelines, 2015. Collection method: clinical testing. Allele origin: unknown.

Literature cited by the submitters: PubMed 23080121 (cited by Labcorp Genetics (formerly Invitae), Labcorp); PubMed 23912341 (cited by Labcorp Genetics (formerly Invitae), Labcorp).

NM_005591.4(MRE11):c.1633_1640del (p.Leu545fs)

Gene: MRE11 (MRE11 double strand break repair nuclease; minus strand). Cytogenetic location: 11q21.
Variant type: Deletion.
Coding change: c.1633_1640del on transcript NM_005591.4 (MANE Select); coding-DNA positions 1633 to 1640, 8 bases deleted (CTTATGAG; older notation c.1633_1640delCTTATGAG).
Protein change: p.Leu545fs; shifts the reading frame from leucine 545.
Molecular consequence: frameshift variant.
Genome position (GRCh38, 1-based): chr11:94,447,362-94,447,369, CTCATAAG deleted on the plus strand (CTTATGAG on the coding strand, the reverse complement: MRE11 is on the minus strand). VCF-style (leftmost placement, unchanged base first): chr11-94447361-ACTCATAAG-A. GRCh37 (hg19) VCF-style: chr11-94180527-ACTCATAAG-A.
Other names: c.1633_1640del, p.Leu545fs (NM_001330347.2, NM_005590.4); c.1633_1640delCTTATGAG (NM_005591.3); c.1633_1640del (NM_005591.3); short protein forms L545fs.
Identifiers: ClinVar variation 233090 (VCV000233090.14), dbSNP rs876660186, ClinGen allele CA10579368.